The following is an entry in ClinVar:

NM_001009944.3(PKD1):c.303C>G (p.Asn101Lys)

Gene: PKD1 (polycystin 1, transient receptor potential channel interacting; minus strand). Cytogenetic location: 16p13.3.
Variant type: single nucleotide variant.
Coding change: c.303C>G on transcript NM_001009944.3 (MANE Select); coding-DNA position 303, C replaced by G.
Protein change: p.Asn101Lys; replaces asparagine 101 with lysine.
Molecular consequence: missense variant.
Genome position (GRCh38, 1-based): chr16:2,119,170, G>C on the plus strand (C>G on the coding strand, the complement: PKD1 is on the minus strand). VCF-style: chr16-2119170-G-C. GRCh37 (hg19) VCF-style: chr16-2169171-G-C.
Other names: c.303C>G, p.Asn101Lys (NM_000296.4); short protein forms N101K.
Identifiers: ClinVar variation 931700 (VCV000931700.11), dbSNP rs2092684130, ClinGen allele CA394396015.
Genomic context (GRCh38, chr16:2,119,170, plus strand): 5'-TTACATTTCACTTAAATTAAATAAATTAGCAAATATTCCTTCTTCTAACGTAGAAATCTT[G>C]TTGTTGCTTATATCCCTGGAAGAGACGGGGGATTCGGCAAAGCTGATGGAAGCCCCCACA-3'
Protein context (NP_001009944.3, residues 91-111): SALAELDISN[Asn101Lys]KISTLEEGIF

ClinVar aggregate classification (germline): Conflicting classifications of pathogenicity. Review status: criteria provided, conflicting classifications (1 of 4 stars). 6 submissions from 6 submitters: Likely pathogenic (4); Uncertain significance (2). Last evaluated 2026-08-05.

Conditions:
PKD1-related disorder. Also called: PKD1-related condition.
Polycystic kidney disease, adult type (PKD1). Also called: Polycystic Kidney, Autosomal Dominant; POLYCYSTIC KIDNEY DISEASE 1 WITH OR WITHOUT POLYCYSTIC LIVER DISEASE; Polycystic Kidney Disease 1, Autosomal Dominant; Polycystic kidney disease 1; Polycystic kidney disease 1, severe; POLYCYSTIC KIDNEY DISEASE, ADULT, TYPE I. Identifiers: MedGen C3149841, MONDO:0008263, OMIM 173900.

Submissions (6):

PreventionGenetics, part of Exact Sciences
Classification: Likely pathogenic for PKD1-related condition. Last evaluated: 2026-08-05. Review status: criteria provided, single submitter. Criteria: ACMG Guidelines, 2015. Collection method: clinical testing. Allele origin: germline.
Comment: The PKD1 c.303C>G variant is predicted to result in the amino acid substitution p.Asn101Lys. This variant has been reported in individuals with polycystic kidney disease (PKD, Hogan et al. 2014. PubMed ID: 25475747; Table S5, Carrera et al. 2016. PubMed ID: 27499327). This variant has not been reported in a large population database (gnomAD), indicating it is rare. Additionally, alternate missense substitutions at the same amino acid position (p.Asn101Asp and p.Asn101Ser) have also been reported in individuals with PKD, suggesting the p.Asn101 residue is important for PKD1 function (Table S2, Heyer et al. 2016. PubMed ID: 26823553; Table S5, Carrera et al. 2016. PubMed ID: 27499327). In summary, the c.303C>G (p.Asn101Lys) variant is interpreted as likely pathogenic.

Victorian Clinical Genetics Services, Murdoch Childrens Research Institute
Classification: Likely pathogenic for Polycystic kidney disease, adult type. Last evaluated: 2026-07-01. Review status: criteria provided, single submitter. Criteria: ACMG Guidelines, 2015. Collection method: clinical testing. Allele origin: germline. Affected: yes.
Comment: This variant is classified as Likely pathogenic. Evidence in support of pathogenic classification: Variant is absent from gnomAD (v2, v3 and v4); This variant has limited previous evidence of pathogenicity in unrelated individuals. This variant has been classified as likely pathogenic and as a VUS by clinical laboratories, and observed in individuals with ADPKD (ClinVar, personal communication). This variant has also been reported in the literature in individuals with ADPKD (PMIDs: 25475747, 26823553, 27499327). In addition, an alternate variant resulting in the same protein outcome (c.303C>A) has been classified as VUS by clinical laboratories and observed in individuals with ADPKD (ClinVar, personal communication); Another missense variant comparable to the one identified in this case has limited previous evidence for pathogenicity. The p.(Asn101Asp) variant has been classified as a VUS by a clinical laboratory (ClinVar), and as likely pathogenic by PKDB. This variant has also been reported in the literature in individuals with ADPKD (PMIDs: 33111320, 32457805, 26823553). In addition, the p.(Asn101Ser) variant has been classified as a VUS by a clinical laboratory (ClinVar), and reported in the literature in an individual with ADPKD (PMID: 27499327); Missense variant predicted to be damaging by in silico tool(s) or highly conserved with a major amino acid change. Additional information: Variant is predicted to result in a missense amino acid change from Asn to Lys; This variant is heterozygous; This gene is associated with autosomal dominant disease. Polycystic kidney disease 1 (MIM#173900) is predominantly caused by monoallelic variants, with rare reports of biallelic variants causing disease (OMIM); Alternative amino acid change(s) at the same position are present in gnomAD (highest allele count: v4: 1 heterozygote(s), 0 homozygote(s)); No published evidence of segregation with disease has been identified for this variant; No published functional evidence has been identified for this variant; Variant is located in the annotated leucine rich repeat region (DECIPHER); Loss of function is a known mechanism of disease in this gene and is associated with polycystic kidney disease 1 (MIM#173900); Inheritance information for this variant is not currently available in this individual.

Women's Health and Genetics/Laboratory Corporation of America, LabCorp
Classification: Uncertain significance. Last evaluated: 2026-04-21. Review status: criteria provided, single submitter. Criteria: LabCorp Variant Classification Summary - May 2015. Collection method: clinical testing. Allele origin: germline.
Comment: Variant summary: PKD1 c.303C>G (p.Asn101Lys) results in a non-conservative amino acid change located in the PKD domain (IPR000601) of the encoded protein sequence. Algorithms developed to predict the effect of missense changes on protein structure and function all suggest that this variant is likely to be disruptive. The variant was absent in 219860 control chromosomes. c.303C>G has been observed in individual(s) among large cohorts affected with features of autosomal dominant Polycystic Kidney Disease 1 (example: Carrera_2016, Heyer_2016 overlapping with Hogan_2015). These data indicate that the variant may be associated with disease. To our knowledge, no experimental evidence demonstrating an impact on protein function has been reported. ClinVar contains an entry for this variant (Variation ID: 931700). The following publications have been ascertained in the context of this evaluation (PMID: 27499327, 26823553, 25475747). Based on the evidence outlined above, the variant was classified as VUS-possibly pathogenic.

GeneDx
Classification: Uncertain significance. Last evaluated: 2024-10-24. Review status: criteria provided, single submitter. Criteria: GeneDx Variant Classification Process June 2021. Collection method: clinical testing. Allele origin: germline. Affected: yes.
Comment: Not observed at significant frequency in large population cohorts (gnomAD); In silico analysis supports that this missense variant has a deleterious effect on protein structure/function; This variant is associated with the following publications: (PMID: 25475747, 27499327)

Fulgent Genetics
Classification: Likely pathogenic for Polycystic kidney disease, adult type. Last evaluated: 2024-02-15. Review status: criteria provided, single submitter. Criteria: ACMG Guidelines, 2015. Collection method: clinical testing. Allele origin: germline.

Centre for Mendelian Genomics, University Medical Centre Ljubljana
Classification: Likely pathogenic for Polycystic kidney disease, adult type. Last evaluated: 2019-08-30. Review status: criteria provided, single submitter. Criteria: ACMG Guidelines, 2015. Collection method: clinical testing. Allele origin: unknown. Affected: yes.
Comment: This variant was classified as: Likely pathogenic. The following ACMG criteria were applied in classifying this variant: PM2,PP3,PP4,PM5.

Literature cited by the submitters: PubMed 26823553 (cited by Victorian Clinical Genetics Services, Murdoch Childrens Research Institute and Women's Health and Genetics/Laboratory Corporation of America, LabCorp); PubMed 25475747 (cited by Victorian Clinical Genetics Services, Murdoch Childrens Research Institute and Women's Health and Genetics/Laboratory Corporation of America, LabCorp); PubMed 27499327 (cited by Victorian Clinical Genetics Services, Murdoch Childrens Research Institute and Women's Health and Genetics/Laboratory Corporation of America, LabCorp); PubMed 33111320 (cited by Victorian Clinical Genetics Services, Murdoch Childrens Research Institute); PubMed 32457805 (cited by Victorian Clinical Genetics Services, Murdoch Childrens Research Institute).